The following is an entry in ClinVar:

ClinVar aggregate classification (germline): Likely benign. Review status: criteria provided, multiple submitters, no conflicts (2 of 4 stars). 4 submissions from 4 submitters: Likely benign (3). 1 of the submissions does not count toward it. Last evaluated 2026-03-17.

Conditions:
COL4A6-related disorder. Also called: COL4A6-related condition.

Allele frequency attached by ClinVar (database versions not stated): ESP Exome Variant Server 0.00028; TOPMed 0.00035; gnomAD 0.00040 and 0.00041.
gnomAD v4.1: 754 of 1,206,503 alleles (0.062%); highest among the groups gnomAD compares: Non-Finnish European, 0.082%; no homozygotes.

Submissions (4):

Women's Health and Genetics/Laboratory Corporation of America, LabCorp
Classification: Likely benign. Last evaluated: 2026-03-17. Review status: criteria provided, single submitter. Criteria: LabCorp Variant Classification Summary - May 2015. Collection method: clinical testing. Allele origin: germline.
Comment: Variant summary: COL4A6 c.447G>C (p.Gly149Gly) alters a conserved nucleotide located close to a canonical splice site and therefore could affect mRNA splicing, leading to a significantly altered protein sequence. Consensus agreement among computation tools predict no significant impact on normal splicing. However, these predictions have yet to be confirmed by functional studies. The variant allele was found at a frequency of 0.00027 in 182741 control chromosomes. This frequency is not significantly higher than estimated for disease-causing variants in COL4A6, allowing no conclusion about variant significance. To our knowledge, no occurrence of c.447G>C in individuals affected with COL4A6-related conditions and no experimental evidence demonstrating its impact on protein function have been reported. ClinVar contains an entry for this variant (Variation ID: 719859). Based on the evidence outlined above, the variant was classified as likely benign.

Labcorp Genetics (formerly Invitae), Labcorp
Classification: Likely benign. Last evaluated: 2025-12-17. Review status: criteria provided, single submitter. Criteria: Invitae Variant Classification Sherloc (09022015). Collection method: clinical testing. Allele origin: germline.

Blueprint Genetics
Classification: Likely benign. Last evaluated: 2023-10-27. Review status: criteria provided, single submitter. Criteria: ACMG Guidelines, 2015. Collection method: clinical testing. Allele origin: germline.

PreventionGenetics, part of Exact Sciences
Classification: Likely benign for COL4A6-related condition. Last evaluated: 2019-03-04. Review status: no assertion criteria provided. Collection method: clinical testing. Allele origin: germline. Not counted in ClinVar's aggregate classification.
Comment: This variant is classified as likely benign based on ACMG/AMP sequence variant interpretation guidelines (Richards et al. 2015 PMID: 25741868, with internal and published modifications).

NM_033641.4(COL4A6):c.444G>C (p.Gly148=)

Gene: COL4A6 (collagen type IV alpha 6 chain; minus strand). Cytogenetic location: Xq22.3.
Variant type: single nucleotide variant.
Coding change: c.444G>C on transcript NM_033641.4 (MANE Select); coding-DNA position 444, G replaced by C.
Protein change: p.Gly148=; no amino-acid change (glycine 148 retained).
Molecular consequence: synonymous variant.
Genome position (GRCh38, 1-based): chrX:108,211,738, C>G on the plus strand (G>C on the coding strand, the complement: COL4A6 is on the minus strand). VCF-style: chrX-108211738-C-G. GRCh37 (hg19) VCF-style: chrX-107454968-C-G.
Other names: c.444G>C, p.Gly148= (NM_001287758.2, NM_001287759.2, NM_001287760.2); c.447G>C, p.Gly149= (NM_001847.4).
Identifiers: ClinVar variation 719859 (VCV000719859.13), dbSNP rs146748865, ClinGen allele CA10488161.